The following is an entry in ClinVar:

ClinVar aggregate classification (germline): Likely pathogenic (1 of 4 stars; one submission).

Submission:

Labcorp Genetics (formerly Invitae), Labcorp
Classification: Likely pathogenic. Last evaluated: 2025-05-09. Review status: criteria provided, single submitter. Criteria: Invitae Variant Classification Sherloc (09022015). Collection method: clinical testing. Allele origin: germline.
Comment: This sequence change affects an acceptor splice site in intron 24 of the FAT1 gene. It is expected to disrupt RNA splicing. Variants that disrupt the donor or acceptor splice site typically lead to a loss of protein function (PMID: 16199547), and loss-of-function variants in FAT1 are known to be pathogenic (PMID: 30862798). This variant is not present in population databases (gnomAD no frequency). This variant has not been reported in the literature in individuals affected with FAT1-related conditions. Algorithms developed to predict the effect of sequence changes on RNA splicing suggest that this variant may disrupt the consensus splice site. In summary, the currently available evidence indicates that the variant is pathogenic, but additional data are needed to prove that conclusively. Therefore, this variant has been classified as Likely Pathogenic.

Literature cited by the submitters: PubMed 16199547; PubMed 30862798.

NM_005245.4(FAT1):c.12369-2A>G

Gene: FAT1 (FAT atypical cadherin 1; minus strand). Cytogenetic location: 4q35.2.
Variant type: single nucleotide variant.
Coding change: c.12369-2A>G on transcript NM_005245.4 (MANE Select); the canonical splice acceptor site of the intron before coding-DNA position 12369, A replaced by G.
Molecular consequence: splice acceptor variant.
Genome position (GRCh38, 1-based): chr4:186,597,173, T>C on the plus strand (A>G on the coding strand, the complement: FAT1 is on the minus strand). VCF-style: chr4-186597173-T-C. GRCh37 (hg19) VCF-style: chr4-187518327-T-C.
Other names: c.12369-2A>G (NM_001440455.1, NM_001440456.1, NM_001440457.1).
Identifiers: ClinVar variation 4718427 (VCV004718427.1).